The following is an entry in ClinVar:

NM_000426.4(LAMA2):c.3445C>T (p.Arg1149Trp)

Gene: LAMA2 (laminin subunit alpha 2; plus strand). Cytogenetic location: 6q22.33.
Variant type: single nucleotide variant.
Coding change: c.3445C>T on transcript NM_000426.4 (MANE Select); coding-DNA position 3445, C replaced by T.
Protein change: p.Arg1149Trp; replaces arginine 1149 with tryptophan.
Molecular consequence: missense variant.
Genome position (GRCh38, 1-based): chr6:129,314,688, C>T. VCF-style: chr6-129314688-C-T. GRCh37 (hg19) VCF-style: chr6-129635833-C-T.
Other names: c.3445C>T, p.Arg1149Trp (NM_001079823.2); short protein forms R1149W.
Identifiers: ClinVar variation 1448130 (VCV001448130.6), dbSNP rs201540948, ClinGen allele CA3993264.

ClinVar aggregate classification (germline): Uncertain significance (1 of 4 stars; one submission).

Conditions:
LAMA2-related muscular dystrophy (LAMA2-RD). Also called: Laminin alpha 2-related dystrophy. Identifiers: MedGen C5679788, MONDO:0100228.

Allele frequency attached by ClinVar (database versions not stated): gnomAD 0.00001 and 0.00002; gnomAD exomes 0.00001; ExAC 0.00002; 1000 Genomes Project 30x 0.00016; 1000 Genomes Project 0.00020.
gnomAD v4.1: 15 of 1,613,664 alleles (0.00093%); highest among the groups gnomAD compares: African/African-American, 0.0053%; no homozygotes.

Submission:

Labcorp Genetics (formerly Invitae), Labcorp
Classification: Uncertain significance for LAMA2-related muscular dystrophy. Last evaluated: 2025-01-23. Review status: criteria provided, single submitter. Criteria: Invitae Variant Classification Sherloc (09022015). Collection method: clinical testing. Allele origin: germline.
Comment: This sequence change replaces arginine, which is basic and polar, with tryptophan, which is neutral and slightly polar, at codon 1149 of the LAMA2 protein (p.Arg1149Trp). This variant is present in population databases (rs201540948, gnomAD 0.007%). This variant has not been reported in the literature in individuals affected with LAMA2-related conditions. ClinVar contains an entry for this variant (Variation ID: 1448130). Invitae Evidence Modeling of protein sequence and biophysical properties (such as structural, functional, and spatial information, amino acid conservation, physicochemical variation, residue mobility, and thermodynamic stability) indicates that this missense variant is not expected to disrupt LAMA2 protein function with a negative predictive value of 95%. In summary, the available evidence is currently insufficient to determine the role of this variant in disease. Therefore, it has been classified as a Variant of Uncertain Significance.